The following is an entry in ClinVar:

ClinVar aggregate classification (germline): Uncertain significance (1 of 4 stars; one submission).

Conditions:
Inflammatory bowel disease 1 (IBD1). Also called: Inflammatory bowel disease 1, Crohn disease; INFLAMMATORY BOWEL DISEASE (CROHN DISEASE) 1. Identifiers: MedGen CN260071, MONDO:0009960, OMIM 266600.
Blau syndrome (BLAUS). Also called: GRANULOMATOSIS, FAMILIAL JUVENILE SYSTEMIC; GRANULOMATOSIS, FAMILIAL, BLAU TYPE; GRANULOMATOUS INFLAMMATORY ARTHRITIS, DERMATITIS, AND UVEITIS, FAMILIAL; ARTHROCUTANEOUVEAL GRANULOMATOSIS; JABS SYNDROME. Identifiers: Orphanet 90340, MedGen C5201146, MONDO:0008523, OMIM 186580.

Submission:

Labcorp Genetics (formerly Invitae), Labcorp
Classification: Uncertain significance for Inflammatory bowel disease 1; Blau syndrome. Last evaluated: 2019-04-11. Review status: criteria provided, single submitter. Criteria: Invitae Variant Classification Sherloc (09022015). Collection method: clinical testing. Allele origin: germline.
Comment: This sequence change replaces leucine with proline at codon 368 of the NOD2 protein (p.Leu368Pro). The leucine residue is highly conserved and there is a moderate physicochemical difference between leucine and proline. This variant is not present in population databases (ExAC no frequency). This variant has not been reported in the literature in individuals with NOD2-related conditions. Algorithms developed to predict the effect of missense changes on protein structure and function are either unavailable or do not agree on the potential impact of this missense change (SIFT: "Deleterious"; PolyPhen-2: "Probably Damaging"; Align-GVGD: "Class C0"). In summary, the available evidence is currently insufficient to determine the role of this variant in disease. Therefore, it has been classified as a Variant of Uncertain Significance.

NM_001370466.1(NOD2):c.1022T>C (p.Leu341Pro)

Gene: NOD2 (nucleotide binding oligomerization domain containing 2; plus strand). Cytogenetic location: 16q12.1.
Variant type: single nucleotide variant.
Coding change: c.1022T>C on transcript NM_001370466.1 (MANE Select); coding-DNA position 1022, T replaced by C.
Protein change: p.Leu341Pro; replaces leucine 341 with proline.
Molecular consequence: missense variant. On other transcripts: non-coding transcript variant (1).
Genome position (GRCh38, 1-based): chr16:50,711,014, T>C. VCF-style: chr16-50711014-T-C. GRCh37 (hg19) VCF-style: chr16-50744925-T-C.
Other names: c.1022T>C, p.Leu341Pro (NM_001293557.2); c.1103T>C, p.Leu368Pro (NM_022162.3); short protein forms L368P, L341P.
Identifiers: ClinVar variation 847889 (VCV000847889.1), dbSNP rs1964452487, ClinGen allele CA395868232.